The following is an entry in ClinVar:

ClinVar aggregate classification (germline): Uncertain significance (1 of 4 stars; one submission).

Conditions:
Infantile spasms. Also called: Infantile spasm. Identifiers: MedGen C3887898, HP:0012469.

Allele frequency attached by ClinVar (database versions not stated): gnomAD exomes below 0.00001; TOPMed below 0.00001; ExAC 0.00001.
gnomAD v4.1: 4 of 1,610,066 alleles (0.00025%); highest among the groups gnomAD compares: Non-Finnish European, 0.00034%; no homozygotes.

Submission:

Labcorp Genetics (formerly Invitae), Labcorp
Classification: Uncertain significance for Infantile spasms. Last evaluated: 2021-12-01. Review status: criteria provided, single submitter. Criteria: Invitae Variant Classification Sherloc (09022015). Collection method: clinical testing. Allele origin: germline.
Comment: This sequence change replaces threonine, which is neutral and polar, with isoleucine, which is neutral and non-polar, at codon 357 of the PIK3AP1 protein (p.Thr357Ile). This variant is present in population databases (rs754924629, gnomAD 0.0009%). This variant has not been reported in the literature in individuals affected with PIK3AP1-related conditions. Algorithms developed to predict the effect of missense changes on protein structure and function are either unavailable or do not agree on the potential impact of this missense change (SIFT: "Tolerated"; PolyPhen-2: "Probably Damaging"; Align-GVGD: "Class C15"). In summary, the available evidence is currently insufficient to determine the role of this variant in disease. Therefore, it has been classified as a Variant of Uncertain Significance.

NM_152309.3(PIK3AP1):c.1070C>T (p.Thr357Ile)

Gene: PIK3AP1 (phosphoinositide-3-kinase adaptor protein 1; minus strand). Cytogenetic location: 10q24.1.
Variant type: single nucleotide variant.
Coding change: c.1070C>T on transcript NM_152309.3 (MANE Select); coding-DNA position 1070, C replaced by T.
Protein change: p.Thr357Ile; replaces threonine 357 with isoleucine.
Molecular consequence: missense variant.
Genome position (GRCh38, 1-based): chr10:96,648,774, G>A on the plus strand (C>T on the coding strand, the complement: PIK3AP1 is on the minus strand). VCF-style: chr10-96648774-G-A. GRCh37 (hg19) VCF-style: chr10-98408531-G-A.
Other names: short protein forms T357I.
Identifiers: ClinVar variation 1389603 (VCV001389603.6), dbSNP rs754924629, ClinGen allele CA5626380.
Genomic context (GRCh38, chr10:96,648,774, plus strand): 5'-GTGTTGGGGTAGTGGCCATGCTTGTTGGCCACGCTGTACGCCTGCAGGGCTCCTGGGCAG[G>A]TGAGCAACAAGGCAGTGAGGTTCTTCAGTCCATACTTCGCAGCAAAATGCAACAGGGTGG-3'
Protein context (NP_689522.2, residues 347-367): GLKNLTALLL[Thr357Ile]CPGALQAYSV